The following is an entry in ClinVar:

ClinVar aggregate classification (germline): Uncertain significance (1 of 4 stars; one submission).

Conditions:
MAP3K8-related disorder. Also called: MAP3K8-related condition.

Submission:

PreventionGenetics, part of Exact Sciences
Classification: Uncertain significance for MAP3K8-related condition. Last evaluated: 2023-08-18. Review status: criteria provided, single submitter. Criteria: ACMG Guidelines, 2015. Collection method: clinical testing. Allele origin: germline.
Comment: The MAP3K8 c.346C>A variant is predicted to result in the amino acid substitution p.Pro116Thr. To our knowledge, this variant has not been reported in the literature or in a large population database, indicating this variant is rare. At this time, the clinical significance of this variant is uncertain due to the absence of conclusive functional and genetic evidence.

NM_005204.4(MAP3K8):c.346C>A (p.Pro116Thr)

Gene: MAP3K8 (mitogen-activated protein kinase kinase kinase 8; plus strand). Cytogenetic location: 10p11.23.
Variant type: single nucleotide variant.
Coding change: c.346C>A on transcript NM_005204.4 (MANE Select); coding-DNA position 346, C replaced by A.
Protein change: p.Pro116Thr; replaces proline 116 with threonine.
Molecular consequence: missense variant.
Genome position (GRCh38, 1-based): chr10:30,447,791, C>A. VCF-style: chr10-30447791-C-A. GRCh37 (hg19) VCF-style: chr10-30736720-C-A.
Other names: c.346C>A, p.Pro116Thr (NM_001244134.1, NM_001320961.2); short protein forms P116T.
Identifiers: ClinVar variation 2630906 (VCV002630906.1), dbSNP rs2538554888, ClinGen allele CA376436731.
Genomic context (GRCh38, chr10:30,447,791, plus strand): 5'-AAGCCAGCTTGACTGAAGTTCTCACCGTCTCACATTTTTATTTTGTTGTAGGTCATCACT[C>A]CCCAAAATGGACGTTACCAAATAGATTCCGATGTTCTCCTGATCCCCTGGAAGCTGACTT-3'
Protein context (NP_005195.2, residues 106-126): SGILLNMVIT[Pro116Thr]QNGRYQIDSD